The following is an entry in ClinVar:

NM_001382391.1(CSPP1):c.89T>C (p.Met30Thr)

Gene: CSPP1 (centrosome and spindle pole associated protein 1; plus strand). Cytogenetic location: 8q13.1.
Variant type: single nucleotide variant.
Coding change: c.89T>C on transcript NM_001382391.1 (MANE Select); coding-DNA position 89, T replaced by C.
Protein change: p.Met30Thr; replaces methionine 30 with threonine.
Molecular consequence: missense variant.
Genome position (GRCh38, 1-based): chr8:67,074,341, T>C. VCF-style: chr8-67074341-T-C. GRCh37 (hg19) VCF-style: chr8-67986576-T-C.
Other names: c.89T>C, p.Met30Thr (NM_001363131.2, NM_001363132.2, NM_001363133.2); c.197T>C, p.Met66Thr (NM_001364869.1, NM_001364870.1, NM_024790.7); short protein forms M66T, M30T.
Identifiers: ClinVar variation 937055 (VCV000937055.9), dbSNP rs1807452107, ClinGen allele CA371211473.

ClinVar aggregate classification (germline): Uncertain significance (1 of 4 stars; one submission).

Conditions:
Joubert syndrome 21 (JBTS21). Identifiers: MedGen C3810212, MONDO:0014288, OMIM 615636.

Submission:

Labcorp Genetics (formerly Invitae), Labcorp
Classification: Uncertain significance for Joubert syndrome 21. Last evaluated: 2022-01-31. Review status: criteria provided, single submitter. Criteria: Invitae Variant Classification Sherloc (09022015). Collection method: clinical testing. Allele origin: germline.
Comment: In summary, the available evidence is currently insufficient to determine the role of this variant in disease. Therefore, it has been classified as a Variant of Uncertain Significance. This sequence change replaces methionine, which is neutral and non-polar, with threonine, which is neutral and polar, at codon 66 of the CSPP1 protein (p.Met66Thr). This variant is not present in population databases (gnomAD no frequency). This variant has not been reported in the literature in individuals affected with CSPP1-related conditions. ClinVar contains an entry for this variant (Variation ID: 937055). Algorithms developed to predict the effect of missense changes on protein structure and function are either unavailable or do not agree on the potential impact of this missense change (SIFT: "Deleterious"; PolyPhen-2: "Benign"; Align-GVGD: "Class C0").